The following is an entry in ClinVar:

NM_001382241.1(TNPO2):c.1335G>A (p.Ser445=)

Gene: TNPO2 (transportin 2; minus strand). Cytogenetic location: 19p13.13.
Variant type: single nucleotide variant.
Coding change: c.1335G>A on transcript NM_001382241.1 (MANE Select); coding-DNA position 1335, G replaced by A.
Protein change: p.Ser445=; no amino-acid change (serine 445 retained).
Molecular consequence: synonymous variant. On other transcripts: non-coding transcript variant (6).
Genome position (GRCh38, 1-based): chr19:12,706,731, C>T on the plus strand (G>A on the coding strand, the complement: TNPO2 is on the minus strand). VCF-style: chr19-12706731-C-T. GRCh37 (hg19) VCF-style: chr19-12817545-C-T.
Other names: c.1335G>A, p.Ser445= (NM_001136195.2, NM_001136196.2, NM_001382236.1 and 7 more transcripts).
Identifiers: ClinVar variation 4980984 (VCV004980984.1).

ClinVar aggregate classification (germline): Likely benign (1 of 4 stars; one submission).

Conditions:
TNPO2-related disorder. Also called: TNPO2-related condition.

gnomAD v4.1: 41 of 1,613,424 alleles (0.0025%); highest among the groups gnomAD compares: East Asian, 0.0045%; no homozygotes.

Submission:

PreventionGenetics, part of Exact Sciences
Classification: Likely benign for TNPO2-related condition. Last evaluated: 2024-10-08. Review status: criteria provided, single submitter. Criteria: ACMG Guidelines, 2015. Collection method: clinical testing. Allele origin: germline.
Comment: This variant is classified as likely benign based on ACMG/AMP sequence variant interpretation guidelines (Richards et al. 2015 PMID: 25741868, with internal and published modifications).